The following is an entry in ClinVar:

ClinVar aggregate classification (germline): Likely pathogenic (1 of 4 stars; one submission).

Submission:

Labcorp Genetics (formerly Invitae), Labcorp
Classification: Likely pathogenic. Last evaluated: 2023-08-04. Review status: criteria provided, single submitter. Criteria: Invitae Variant Classification Sherloc (09022015). Collection method: clinical testing. Allele origin: unknown.
Comment: This variant results in the deletion of part of exon 61 (c.9225_9316+1941delins170) of the FRAS1 gene. It is expected to disrupt RNA splicing. Variants that disrupt the donor or acceptor splice site typically lead to a loss of protein function (PMID: 16199547), and loss-of-function variants in FRAS1 are known to be pathogenic (PMID: 12766769, 18671281). This variant has not been reported in the literature in individuals affected with FRAS1-related conditions. In summary, the currently available evidence indicates that the variant is pathogenic, but additional data are needed to prove that conclusively. Therefore, this variant has been classified as Likely Pathogenic.

Literature cited by the submitters: PubMed 16199547; PubMed 12766769; PubMed 18671281.

NC_000004.11:g.(?_79420984)_(79423016_?)del

Gene: FRAS1 (Fraser extracellular matrix complex subunit 1; plus strand). Cytogenetic location: 4q21.21.
Variant type: Deletion.
Identifiers: ClinVar variation 3246770 (VCV003246770.1).